The following is an entry in ClinVar:

NM_002618.4(PEX13):c.565C>T (p.Arg189Trp)

Gene: PEX13 (peroxisomal biogenesis factor 13; plus strand). Cytogenetic location: 2p15.
Variant type: single nucleotide variant.
Coding change: c.565C>T on transcript NM_002618.4 (MANE Select); coding-DNA position 565, C replaced by T.
Protein change: p.Arg189Trp; replaces arginine 189 with tryptophan.
Molecular consequence: missense variant.
Genome position (GRCh38, 1-based): chr2:61,031,891, C>T. VCF-style: chr2-61031891-C-T. GRCh37 (hg19) VCF-style: chr2-61259026-C-T.
Other names: c.565C>T (NM_002618.3); short protein forms R189W.
Identifiers: ClinVar variation 1490602 (VCV001490602.6), dbSNP rs771451906, ClinGen allele CA1673311.
Genomic context (GRCh38, chr2:61,031,891, plus strand): 5'-TCCCGATTGAAAATACACTTTACAAAAGTGTTTTCAGCTTTTGCATTGGTTAGGACTATA[C>T]GGTATCTTTACAGACGGCTACAGCGGATGTTAGGTTTAAGAAGAGGCTCTGAGAATGAAG-3'
Protein context (NP_002609.1, residues 179-199): FSAFALVRTI[Arg189Trp]YLYRRLQRML

ClinVar aggregate classification (germline): Uncertain significance. Review status: criteria provided, multiple submitters, no conflicts (2 of 4 stars). 2 submissions from 2 submitters: Uncertain significance (2). Last evaluated 2025-03-05.

Conditions:
Inborn genetic diseases. Identifiers: MedGen C0950123, MeSH D030342.
Peroxisome biogenesis disorder 11A (Zellweger). Also called: Peroxisome biogenesis disorder 11A. Identifiers: Orphanet 912, MedGen C3554000, MONDO:0013949, OMIM 614883.

Allele frequency attached by ClinVar (database versions not stated): gnomAD exomes 0.00004; ExAC 0.00007; TOPMed below 0.00001; gnomAD 0.00001.
gnomAD v4.1: 45 of 1,612,948 alleles (0.0028%); highest among the groups gnomAD compares: South Asian, 0.0099%; no homozygotes.

Submissions (2):

Ambry Genetics
Classification: Uncertain significance for Inborn genetic diseases. Last evaluated: 2025-03-05. Review status: criteria provided, single submitter. Criteria: Ambry Variant Classification Scheme 2023. Collection method: clinical testing. Allele origin: germline.

Labcorp Genetics (formerly Invitae), Labcorp
Classification: Uncertain significance for Peroxisome biogenesis disorder 11A (Zellweger). Last evaluated: 2022-08-16. Review status: criteria provided, single submitter. Criteria: Invitae Variant Classification Sherloc (09022015). Collection method: clinical testing. Allele origin: germline.
Comment: This sequence change replaces arginine, which is basic and polar, with tryptophan, which is neutral and slightly polar, at codon 189 of the PEX13 protein (p.Arg189Trp). This variant is present in population databases (rs771451906, gnomAD 0.01%). This variant has not been reported in the literature in individuals affected with PEX13-related conditions. ClinVar contains an entry for this variant (Variation ID: 1490602). Algorithms developed to predict the effect of missense changes on protein structure and function are either unavailable or do not agree on the potential impact of this missense change (SIFT: "Deleterious"; PolyPhen-2: "Probably Damaging"; Align-GVGD: "Class C0"). In summary, the available evidence is currently insufficient to determine the role of this variant in disease. Therefore, it has been classified as a Variant of Uncertain Significance.